The following is an entry in ClinVar:

ClinVar aggregate classification (germline): Uncertain significance (1 of 4 stars; one submission).

Submission:

Labcorp Genetics (formerly Invitae), Labcorp
Classification: Uncertain significance. Last evaluated: 2024-04-20. Review status: criteria provided, single submitter. Criteria: Invitae Variant Classification Sherloc (09022015). Collection method: clinical testing. Allele origin: germline.
Comment: This sequence change replaces proline, which is neutral and non-polar, with threonine, which is neutral and polar, at codon 1153 of the ERBIN protein (p.Pro1153Thr). This variant is not present in population databases (gnomAD no frequency). This variant has not been reported in the literature in individuals affected with ERBIN-related conditions. An algorithm developed to predict the effect of missense changes on protein structure and function (PolyPhen-2) suggests that this variant is likely to be disruptive. In summary, the available evidence is currently insufficient to determine the role of this variant in disease. Therefore, it has been classified as a Variant of Uncertain Significance.

NM_001253697.2(ERBIN):c.3457C>A (p.Pro1153Thr)

Gene: ERBIN (erbb2 interacting protein; plus strand). Cytogenetic location: 5q12.3.
Variant type: single nucleotide variant.
Coding change: c.3457C>A on transcript NM_001253697.2 (MANE Select); coding-DNA position 3457, C replaced by A.
Protein change: p.Pro1153Thr; replaces proline 1153 with threonine.
Molecular consequence: missense variant.
Genome position (GRCh38, 1-based): chr5:66,054,775, C>A. VCF-style: chr5-66054775-C-A. GRCh37 (hg19) VCF-style: chr5-65350603-C-A.
Other names: c.3457C>A, p.Pro1153Thr (NM_001006600.3, NM_001253698.2, NM_001253699.2 and 1 more transcripts); c.3445C>A, p.Pro1149Thr (NM_001253701.2); short protein forms P1153T, P1149T.
Identifiers: ClinVar variation 3650483 (VCV003650483.2).
Genomic context (GRCh38, chr5:66,054,775, plus strand): 5'-AGCATAGATGGTCCAAATGCATCAAGACCTCAGAGTGCTCGACCCTCTATTAATGAAATA[C>A]CAGAGAGAACTATGTCAGTTAGTGATTTCAATTATTCACGGACTAGTCCTTCAAAAAGAC-3'
Protein context (NP_001240626.1, residues 1143-1163): QSARPSINEI[Pro1153Thr]ERTMSVSDFN